The following is an entry in ClinVar:

ClinVar aggregate classification (germline): Uncertain significance (1 of 4 stars; one submission).

Conditions:
Familial melanoma. Also called: Hereditary melanoma; Hereditary cutaneous melanoma. Identifiers: Orphanet 618, MedGen C1512419, MONDO:0018961.

Submission:

Labcorp Genetics (formerly Invitae), Labcorp
Classification: Uncertain significance for Familial melanoma. Last evaluated: 2024-01-25. Review status: criteria provided, single submitter. Criteria: Invitae Variant Classification Sherloc (09022015). Collection method: clinical testing. Allele origin: germline.
Comment: This sequence change falls in intron 5 of the CDK4 gene. It does not directly change the encoded amino acid sequence of the CDK4 protein. It affects a nucleotide within the consensus splice site. This variant is not present in population databases (gnomAD no frequency). This variant has not been reported in the literature in individuals affected with CDK4-related conditions. Variants that disrupt the consensus splice site are a relatively common cause of aberrant splicing (PMID: 17576681, 9536098). In summary, the available evidence is currently insufficient to determine the role of this variant in disease. Therefore, it has been classified as a Variant of Uncertain Significance.

Literature cited by the submitters: PubMed 17576681; PubMed 9536098.

NM_000075.4(CDK4):c.632+1_632+33del

Gene: CDK4 (cyclin dependent kinase 4; minus strand). Cytogenetic location: 12q14.1.
Variant type: Deletion.
Coding change: c.632+1_632+33del on transcript NM_000075.4 (MANE Select); the canonical splice donor site of the intron after coding-DNA position 632 through 33 bases into the intron after coding-DNA position 632, 33 bases deleted.
Molecular consequence: splice donor variant.
Genome position (GRCh38, 1-based): chr12:57,750,623-57,750,655, 33 bases deleted; deleting any 33 consecutive bases within chr12:57,750,623-57,750,657 gives the same sequence; the c. name uses the placement nearest the transcript's 3' end. GRCh37 (hg19): chr12:58,144,408-58,144,440.
Identifiers: ClinVar variation 2711507 (VCV002711507.3), dbSNP rs2540900136, ClinGen allele CA2697559335.